The following is an entry in ClinVar:

NM_001127222.2(CACNA1A):c.3883-90G>A

Genes: CACNA1A (calcium voltage-gated channel subunit alpha1 A; minus strand), LOC126862865 (CDK7 strongly-dependent group 2 enhancer GRCh37_chr19:13385818-13387017; plus strand). Cytogenetic location: 19p13.13.
Variant type: single nucleotide variant.
Coding change: c.3883-90G>A on transcript NM_001127222.2 (MANE Select); 90 bases into the intron before coding-DNA position 3883, G replaced by A.
Molecular consequence: intron variant.
Genome position (GRCh38, 1-based): chr19:13,276,046, C>T on the plus strand (G>A on the coding strand, the complement: CACNA1A is on the minus strand). VCF-style: chr19-13276046-C-T. GRCh37 (hg19) VCF-style: chr19-13386860-C-T.
Other names: c.3886-90G>A (NM_001127221.2, NM_001174080.2); c.3895-90G>A (NM_000068.4, NM_023035.3).
Identifiers: ClinVar variation 680063 (VCV000680063.4), dbSNP rs7257254, ClinGen allele CA14730425.
Genomic context (GRCh38, chr19:13,276,046, plus strand): 5'-CCCCCACCTGATCCCCACCCTGGGGTGCTGCCACCCACTCTCTAGCCTCTCGGGGAGAGG[C>T]AGGGAAGCCAATGAGGCCACCTCATCTTGCAGGGATGGGCAGTGGCCAGAGGACTCCAGG-3'

ClinVar aggregate classification (germline): Benign. Review status: criteria provided, multiple submitters, no conflicts (2 of 4 stars). 3 submissions from 3 submitters: Benign (3). Last evaluated 2024-07-31.

Allele frequency attached by ClinVar (database versions not stated): gnomAD 0.17595 and 0.18812; TOPMed 0.19628; gnomAD exomes 0.19878; 1000 Genomes Project 30x 0.30637; 1000 Genomes Project 0.31450.
gnomAD v4.1: 155,009 of 787,436 alleles (20%); highest among the groups gnomAD compares: East Asian, 58%; 20,757 homozygotes.

Submissions (3):

Unidad de Genómica Garrahan, Hospital de Pediatría Garrahan
Classification: Benign. Last evaluated: 2024-07-31. Review status: criteria provided, single submitter. Criteria: ACMG Guidelines, 2015. Collection method: clinical testing. Allele origin: germline. Affected: no. Observed: 39 variant alleles.
Comment: This variant is classified as Benign based on local population frequency. This variant was detected in 42% of patients studied in a panel designed for Epileptic and Developmental Encephalopathy, Progressive Myoclonus Epilepsy and Abnormal Movements and Neurodegeneration with brain iron accumulation. Number of patients: 39. Only high quality variants are reported.

GeneDx
Classification: Benign. Last evaluated: 2018-06-18. Review status: criteria provided, single submitter. Criteria: GeneDx Variant Classification (06012015). Collection method: clinical testing. Allele origin: germline. Affected: yes.
Comment: This variant is considered likely benign or benign based on one or more of the following criteria: it is a conservative change, it occurs at a poorly conserved position in the protein, it is predicted to be benign by multiple in silico algorithms, and/or has population frequency not consistent with disease.

Breakthrough Genomics
Classification: Benign. Review status: criteria provided, single submitter. Criteria: ACMG Guidelines, 2015. Collection method: not provided. Allele origin: germline. Inheritance: Autosomal dominant inheritance. Affected: yes.